The following is an entry in ClinVar:

ClinVar aggregate classification (germline): Likely pathogenic (1 of 4 stars; one submission).

Submission:

Labcorp Genetics (formerly Invitae), Labcorp
Classification: Likely pathogenic. Last evaluated: 2022-08-07. Review status: criteria provided, single submitter. Criteria: Invitae Variant Classification Sherloc (09022015). Collection method: clinical testing. Allele origin: germline.
Comment: Algorithms developed to predict the effect of sequence changes on RNA splicing suggest that this variant may disrupt the consensus splice site. In summary, the currently available evidence indicates that the variant is pathogenic, but additional data are needed to prove that conclusively. Therefore, this variant has been classified as Likely Pathogenic. This variant has not been reported in the literature in individuals affected with LRP2-related conditions. This sequence change affects an acceptor splice site in intron 8 of the LRP2 gene. It is expected to disrupt RNA splicing. Variants that disrupt the donor or acceptor splice site typically lead to a loss of protein function (PMID: 16199547), and loss-of-function variants in LRP2 are known to be pathogenic (PMID: 17632512, 25682901). This variant is not present in population databases (gnomAD no frequency).

Literature cited by the submitters: PubMed 16199547; PubMed 17632512; PubMed 25682901.

NM_004525.3(LRP2):c.923-2A>G

Gene: LRP2 (LDL receptor related protein 2; minus strand). Cytogenetic location: 2q31.1.
Variant type: single nucleotide variant.
Coding change: c.923-2A>G on transcript NM_004525.3 (MANE Select); the canonical splice acceptor site of the intron before coding-DNA position 923, A replaced by G.
Molecular consequence: splice acceptor variant.
Genome position (GRCh38, 1-based): chr2:169,289,147, T>C on the plus strand (A>G on the coding strand, the complement: LRP2 is on the minus strand). VCF-style: chr2-169289147-T-C. GRCh37 (hg19) VCF-style: chr2-170145657-T-C.
Identifiers: ClinVar variation 2022471 (VCV002022471.4), dbSNP rs2528548714, ClinGen allele CA349156871.
Genomic context (GRCh38, chr2:169,289,147, plus strand): 5'-TCCATACGGCGTCTCATGGCACTGGTACTGGCAGTTCAAGGCAGAGCACAGAGTCATACC[T>C]AAACGAAGAAAAGAACTTTGTTAAATGAATGGTGACCTCTGGACAAGACTGATTAATCTA-3'